The following is an entry in ClinVar:

ClinVar aggregate classification (germline): Uncertain significance (1 of 4 stars; one submission).

Allele frequency attached by ClinVar (database versions not stated): gnomAD exomes 0.00001 and 0.00002; ExAC 0.00002; TOPMed 0.00002; gnomAD 0.00003 and 0.00004.

Submission:

Labcorp Genetics (formerly Invitae), Labcorp
Classification: Uncertain significance. Last evaluated: 2021-12-07. Review status: criteria provided, single submitter. Criteria: Invitae Variant Classification Sherloc (09022015). Collection method: clinical testing. Allele origin: germline.
Comment: This sequence change replaces leucine, which is neutral and non-polar, with phenylalanine, which is neutral and non-polar, at codon 316 of the STT3A protein (p.Leu316Phe). This variant is present in population databases (rs747776882, gnomAD 0.003%). This variant has not been reported in the literature in individuals affected with STT3A-related conditions. ClinVar contains an entry for this variant (Variation ID: 1061572). Algorithms developed to predict the effect of missense changes on protein structure and function (SIFT, PolyPhen-2, Align-GVGD) all suggest that this variant is likely to be tolerated. In summary, the available evidence is currently insufficient to determine the role of this variant in disease. Therefore, it has been classified as a Variant of Uncertain Significance.

NM_152713.5(STT3A):c.946C>T (p.Leu316Phe)

Gene: STT3A (STT3 oligosaccharyltransferase complex catalytic subunit A; plus strand). Cytogenetic location: 11q24.2.
Variant type: single nucleotide variant.
Coding change: c.946C>T on transcript NM_152713.5 (MANE Select); coding-DNA position 946, C replaced by T.
Protein change: p.Leu316Phe; replaces leucine 316 with phenylalanine.
Molecular consequence: missense variant.
Genome position (GRCh38, 1-based): chr11:125,608,274, C>T. VCF-style: chr11-125608274-C-T. GRCh37 (hg19) VCF-style: chr11-125478169-C-T.
Other names: c.946C>T, p.Leu316Phe (NM_001278503.2); c.670C>T, p.Leu224Phe (NM_001278504.2); short protein forms L224F, L316F.
Identifiers: ClinVar variation 1061572 (VCV001061572.2), dbSNP rs747776882, ClinGen allele CA6348961.